The following is an entry in ClinVar:

ClinVar aggregate classification (germline): Uncertain significance (1 of 4 stars; one submission).

gnomAD v4.1: 5 of 1,611,832 alleles (0.00031%); highest among the groups gnomAD compares: Non-Finnish European, 0.00042%; no homozygotes.

Submission:

Labcorp Genetics (formerly Invitae), Labcorp
Classification: Uncertain significance. Last evaluated: 2026-02-02. Review status: criteria provided, single submitter. Criteria: Invitae Variant Classification Sherloc (09022015). Collection method: clinical testing. Allele origin: germline.
Comment: This sequence change affects codon 20 of the NOG mRNA. It is a 'silent' change, meaning that it does not change the encoded amino acid sequence of the NOG protein. This variant is present in population databases (rs778974686, gnomAD 0.003%). This variant has not been reported in the literature in individuals affected with NOG-related conditions. In summary, the available evidence is currently insufficient to determine the role of this variant in disease. Therefore, it has been classified as a Variant of Uncertain Significance.

NM_005450.6(NOG):c.58C>T (p.Leu20=)

Gene: NOG (noggin; plus strand). Cytogenetic location: 17q22.
Variant type: single nucleotide variant.
Coding change: c.58C>T on transcript NM_005450.6 (MANE Select); coding-DNA position 58, C replaced by T.
Protein change: p.Leu20=; no amino-acid change (leucine 20 retained).
Molecular consequence: synonymous variant.
Genome position (GRCh38, 1-based): chr17:56,594,281, C>T. VCF-style: chr17-56594281-C-T. GRCh37 (hg19) VCF-style: chr17-54671642-C-T.
Identifiers: ClinVar variation 4773781 (VCV004773781.1).
Genomic context (GRCh38, chr17:56,594,281, plus strand): 5'-GGCATGGAGCGCTGCCCCAGCCTAGGGGTCACCCTCTACGCCCTGGTGGTGGTCCTGGGG[C>T]TGCGGGCGACACCGGCCGGCGGCCAGCACTATCTCCACATCCGCCCGGCACCCAGCGACA-3'
Protein context (NP_005441.1, residues 10-30): TLYALVVVLG[Leu20=]RATPAGGQHY